The following is an entry in ClinVar:

ClinVar aggregate classification (germline): Conflicting classifications of pathogenicity. Review status: criteria provided, conflicting classifications (1 of 4 stars). 3 submissions from 3 submitters: Uncertain significance (1); Likely benign (2). Last evaluated 2026-09-01.

Allele frequency attached by ClinVar (database versions not stated): 1000 Genomes Project 30x 0.00016; 1000 Genomes Project 0.00020; ExAC 0.00065; ESP Exome Variant Server 0.00069; gnomAD exomes 0.00070 and 0.00106; gnomAD 0.00077 and 0.00081; TOPMed 0.00084.
gnomAD v4.1: 1,653 of 1,614,124 alleles (0.1%); highest among the groups gnomAD compares: Non-Finnish European, 0.12%; 1 homozygote.

Submissions (3):

CeGaT Center for Human Genetics Tuebingen
Classification: Likely benign. Last evaluated: 2026-09-01. Review status: criteria provided, single submitter. Criteria: CeGaT Center For Human Genetics Tuebingen Variant Classification Criteria Version 2. Collection method: clinical testing. Allele origin: germline. Affected: yes. Observed: 3 variant alleles.
Comment: TBC1D7: BP4

Labcorp Genetics (formerly Invitae), Labcorp
Classification: Uncertain significance. Last evaluated: 2026-02-04. Review status: criteria provided, single submitter. Criteria: Invitae Variant Classification Sherloc (09022015). Collection method: clinical testing. Allele origin: germline.
Comment: This sequence change replaces valine, which is neutral and non-polar, with alanine, which is neutral and non-polar, at codon 149 of the TBC1D7 protein (p.Val149Ala). This variant is present in population databases (rs112668572, gnomAD 0.2%), and has an allele count higher than expected for a pathogenic variant. This variant has not been reported in the literature in individuals affected with TBC1D7-related conditions. ClinVar contains an entry for this variant (Variation ID: 1208683). An algorithm developed to predict the effect of missense changes on protein structure and function (PolyPhen-2) suggests that this variant is likely to be disruptive. In summary, the available evidence is currently insufficient to determine the role of this variant in disease. Therefore, it has been classified as a Variant of Uncertain Significance.

GeneDx
Classification: Likely benign. Last evaluated: 2021-06-07. Review status: criteria provided, single submitter. Criteria: GeneDx Variant Classification Process June 2021. Collection method: clinical testing. Allele origin: germline. Affected: yes.
Comment: This variant is associated with the following publications: (PMID: 29626599)

NM_016495.6(TBC1D7):c.446T>C (p.Val149Ala)

Genes: TBC1D7 (TBC1 domain family member 7; minus strand), TBC1D7-LOC100130357 (TBC1D7-LOC100130357 readthrough; minus strand). Cytogenetic location: 6p24.1.
Variant type: single nucleotide variant.
Coding change: c.446T>C on transcript NM_016495.6 (MANE Select); coding-DNA position 446, T replaced by C.
Protein change: p.Val149Ala; replaces valine 149 with alanine.
Molecular consequence: missense variant. On other transcripts: non-coding transcript variant (1), intron variant (1).
Genome position (GRCh38, 1-based): chr6:13,316,644, A>G on the plus strand (T>C on the coding strand, the complement: TBC1D7 is on the minus strand). VCF-style: chr6-13316644-A-G. GRCh37 (hg19) VCF-style: chr6-13316876-A-G.
Other names: c.446T>C, p.Val149Ala (NM_001318809.2, NM_001143964.4, NM_001143965.4 and 1 more transcripts); c.365T>C, p.Val122Ala (NM_001143966.4); c.381+4264T>C (NM_001258457.3); short protein forms V122A, V149A.
Identifiers: ClinVar variation 1208683 (VCV001208683.32), dbSNP rs112668572, ClinGen allele CA3639747.